The following is an entry in ClinVar:

NM_000264.5(PTCH1):c.4135G>C (p.Val1379Leu)

Gene: PTCH1 (patched 1; minus strand). Cytogenetic location: 9q22.32.
Variant type: single nucleotide variant.
Coding change: c.4135G>C on transcript NM_000264.5 (MANE Select); coding-DNA position 4135, G replaced by C.
Protein change: p.Val1379Leu; replaces valine 1379 with leucine.
Molecular consequence: missense variant. On other transcripts: non-coding transcript variant (1).
Genome position (GRCh38, 1-based): chr9:95,447,121, C>G on the plus strand (G>C on the coding strand, the complement: PTCH1 is on the minus strand). VCF-style: chr9-95447121-C-G. GRCh37 (hg19) VCF-style: chr9-98209403-C-G.
Other names: c.3937G>C, p.Val1313Leu (NM_001083602.3); c.4132G>C, p.Val1378Leu (NM_001083603.3); c.3682G>C, p.Val1228Leu (NM_001083604.3, NM_001083605.3, NM_001083606.3 and 1 more transcripts); c.3979G>C, p.Val1327Leu (NM_001354918.2); short protein forms V1313L, V1378L, V1327L, V1379L, V1228L.
Identifiers: ClinVar variation 1465389 (VCV001465389.8), dbSNP rs2136575538, ClinGen allele CA374110249.
Genomic context (GRCh38, chr9:95,447,121, plus strand): 5'-GGCAGAGTCCCCCTCGGGGGTTCCGCCCAGGCCCAGGGACAGGCGGCGGGTGCACGGCGA[C>G]AGTCACGGAGGCAGAAGCCGTCACAGTGGTGATGGGCTGGCAGTAGCCGGGCACGGAGCT-3'
Protein context (NP_000255.2, residues 1369-1389): TTVTASASVT[Val1379Leu]AVHPPPVPGP

ClinVar aggregate classification (germline): Uncertain significance (1 of 4 stars; one submission).

Conditions:
Gorlin syndrome. Also called: Nevoid Basal Cell Carcinoma Syndrome; Basal cell nevus syndrome. Identifiers: Orphanet 377, MedGen C0004779, MONDO:0007187.

Submission:

Labcorp Genetics (formerly Invitae), Labcorp
Classification: Uncertain significance for Gorlin syndrome. Last evaluated: 2021-03-18. Review status: criteria provided, single submitter. Criteria: Invitae Variant Classification Sherloc (09022015). Collection method: clinical testing. Allele origin: germline.
Comment: In summary, the available evidence is currently insufficient to determine the role of this variant in disease. Therefore, it has been classified as a Variant of Uncertain Significance. Advanced modeling of protein sequence and biophysical properties (such as structural, functional, and spatial information, amino acid conservation, physicochemical variation, residue mobility, and thermodynamic stability) performed at Invitae indicates that this missense variant is not expected to disrupt PTCH1 protein function. This variant has not been reported in the literature in individuals with PTCH1-related conditions. This variant is not present in population databases (ExAC no frequency). This sequence change replaces valine with leucine at codon 1379 of the PTCH1 protein (p.Val1379Leu). The valine residue is moderately conserved and there is a small physicochemical difference between valine and leucine.